The following is an entry in ClinVar:

NM_000038.6(APC):c.7160A>G (p.Asn2387Ser)

Gene: APC (APC regulator of Wnt signaling pathway; plus strand). Cytogenetic location: 5q22.2.
Variant type: single nucleotide variant.
Coding change: c.7160A>G on transcript NM_000038.6 (MANE Select); coding-DNA position 7160, A replaced by G.
Protein change: p.Asn2387Ser; replaces asparagine 2387 with serine.
Molecular consequence: missense variant.
Genome position (GRCh38, 1-based): chr5:112,842,754, A>G. VCF-style: chr5-112842754-A-G. GRCh37 (hg19) VCF-style: chr5-112178451-A-G.
Other names: c.7160A>G, p.Asn2387Ser (NM_001127510.3, NM_001354895.2); c.7106A>G, p.Asn2369Ser (NM_001127511.3); c.7214A>G, p.Asn2405Ser (NM_001354896.2); c.7190A>G, p.Asn2397Ser (NM_001354897.2); c.7085A>G, p.Asn2362Ser (NM_001354898.2); c.7076A>G, p.Asn2359Ser (NM_001354899.2); c.7037A>G, p.Asn2346Ser (NM_001354900.2); c.6983A>G, p.Asn2328Ser (NM_001354901.2); and 5 more; short protein forms N2369S, N2387S, N2227S, N2397S, N2104S, N2362S, N2296S, N2346S.
Identifiers: ClinVar variation 490355 (VCV000490355.19), dbSNP rs1554088085, ClinGen allele CA16036924.

ClinVar aggregate classification (germline): Uncertain significance. Review status: criteria provided, multiple submitters, no conflicts (2 of 4 stars). 6 submissions from 6 submitters: Uncertain significance (6). Last evaluated 2025-11-27.

Conditions:
Familial adenomatous polyposis 1 (FAP1). Also called: POLYPOSIS, ADENOMATOUS INTESTINAL; FAMILIAL ADENOMATOUS POLYPOSIS 1, ATTENUATED. Identifiers: MedGen C2713442, MONDO:0021056, OMIM 175100. Disease mechanism: loss of function.
Classic or attenuated familial adenomatous polyposis. Identifiers: MedGen CN372698, MONDO:0021057.
Hereditary cancer-predisposing syndrome. Also called: Hereditary Cancer Syndrome; Neoplastic Syndromes, Hereditary; Tumor predisposition; Hereditary neoplastic syndrome. Identifiers: Orphanet 140162, MedGen C0027672, MeSH D009386, MONDO:0015356.

Allele frequency attached by ClinVar (database versions not stated): gnomAD exomes below 0.00001; TOPMed 0.00001.
gnomAD v4.1: 1 of 1,614,002 alleles (0.000062%); highest among the groups gnomAD compares: Non-Finnish European, 0.000085%; no homozygotes.

Submissions (6):

Labcorp Genetics (formerly Invitae), Labcorp
Classification: Uncertain significance for Familial adenomatous polyposis 1. Last evaluated: 2025-11-27. Review status: criteria provided, single submitter. Criteria: Invitae Variant Classification Sherloc (09022015). Collection method: clinical testing. Allele origin: germline.
Comment: This sequence change replaces asparagine, which is neutral and polar, with serine, which is neutral and polar, at codon 2387 of the APC protein (p.Asn2387Ser). This variant is not present in population databases (gnomAD no frequency). This variant has not been reported in the literature in individuals affected with APC-related conditions. ClinVar contains an entry for this variant (Variation ID: 490355). Invitae Evidence Modeling of protein sequence and biophysical properties (such as structural, functional, and spatial information, amino acid conservation, physicochemical variation, residue mobility, and thermodynamic stability) indicates that this missense variant is not expected to disrupt APC protein function with a negative predictive value of 95%. In summary, the available evidence is currently insufficient to determine the role of this variant in disease. Therefore, it has been classified as a Variant of Uncertain Significance.

All of Us Research Program, National Institutes of Health
Classification: Uncertain significance for Classic or attenuated familial adenomatous polyposis. Last evaluated: 2024-08-23. Review status: criteria provided, single submitter. Criteria: ACMG Guidelines, 2015. Collection method: clinical testing. Allele origin: germline. Inheritance: Autosomal dominant inheritance. Observed: 2 variant alleles, 2 heterozygotes.
Comment: This missense variant replaces asparagine with serine at codon 2387 of the APC protein. Computational prediction suggests that this variant may not impact protein structure and function (internally defined REVEL score threshold <= 0.5, PMID: 27666373). To our knowledge, functional studies have not been reported for this variant. This variant has not been reported in individuals affected with APC-related disorders in the literature. This variant has not been identified in the general population by the Genome Aggregation Database (gnomAD). The available evidence is insufficient to determine the role of this variant in disease conclusively. Therefore, this variant is classified as a Variant of Uncertain Significance.

This study involves interpretation of variants in research participants for the purpose of population health screening. Participant phenotype was not available at the time of variant classification. Additional details can be found in publication PMID: 35346344, PMCID: PMC8962531

Color Diagnostics, LLC DBA Color Health
Classification: Uncertain significance for Hereditary cancer-predisposing syndrome. Last evaluated: 2024-08-07. Review status: criteria provided, single submitter. Criteria: ACMG Guidelines, 2015. Collection method: clinical testing. Allele origin: germline.
Comment: This missense variant replaces asparagine with serine at codon 2387 of the APC protein. Computational prediction suggests that this variant may not impact protein structure and function (internally defined REVEL score threshold <= 0.5, PMID: 27666373). To our knowledge, functional studies have not been reported for this variant. This variant has not been reported in individuals affected with APC-related disorders in the literature. This variant has not been identified in the general population by the Genome Aggregation Database (gnomAD). The available evidence is insufficient to determine the role of this variant in disease conclusively. Therefore, this variant is classified as a Variant of Uncertain Significance.

Baylor Genetics
Classification: Uncertain significance for Familial adenomatous polyposis 1. Last evaluated: 2024-02-12. Review status: criteria provided, single submitter. Criteria: ACMG Guidelines, 2015. Collection method: clinical testing. Allele origin: unknown.

Ambry Genetics
Classification: Uncertain significance for Hereditary cancer-predisposing syndrome. Last evaluated: 2023-03-20. Review status: criteria provided, single submitter. Criteria: Ambry Variant Classification Scheme 2023. Collection method: clinical testing. Allele origin: germline.
Comment: The p.N2387S variant (also known as c.7160A>G), located in coding exon 15 of the APC gene, results from an A to G substitution at nucleotide position 7160. The asparagine at codon 2387 is replaced by serine, an amino acid with highly similar properties. This alteration has been reported as VUS in 1/1197 individuals from Greece, Romania, and Turkey undergoing evaluation for inherited cancer predisposition (Tsaousis GN et al. BMC Cancer, 2019 Jun;19:535). This amino acid position is not well conserved in available vertebrate species. In addition, in silico predictors for this gene do not accurately predict pathogenicity. Since supporting evidence is limited at this time, the clinical significance of this alteration remains unclear.

GeneKor MSA
Classification: Uncertain significance for Hereditary cancer-predisposing syndrome. Last evaluated: 2018-08-01. Review status: criteria provided, single submitter. Criteria: ACMG Guidelines, 2015. Collection method: clinical testing. Allele origin: germline.

Literature cited by the submitters: PubMed 25186627 (cited by Ambry Genetics); PubMed 31159747 (cited by Ambry Genetics).